The following is an entry in ClinVar:

ClinVar aggregate classification (germline): Likely pathogenic (1 of 4 stars; one submission).

Conditions:
Fleck corneal dystrophy (CFD). Also called: CORNEAL DYSTROPHY, FRANCOIS-NEETENS SPECKLED OR FLECKED. Identifiers: Orphanet 98970, MedGen C1562113, MONDO:0007376, OMIM 121850.

Submission:

Dasa
Classification: Likely pathogenic for Fleck corneal dystrophy. Last evaluated: 2025-11-09. Review status: criteria provided, single submitter. Criteria: DASA Assertion Criteria. Collection method: clinical testing. Allele origin: germline.
Comment: NM_015040.4(PIKFYVE):c.4225del (p.Leu1409Phefs*5) is a frameshift variant in PIKFYVE predicted to alter the reading frame and introduce a premature termination codon and is predicted to result in an absent or altered protein product. Loss of function is an established disease mechanism for PIKFYVE-associated disorders. Also, this variant is absent from population databases. Based on the currently available evidence, this variant is classified as likely pathogenic.

NM_015040.4(PIKFYVE):c.4225del (p.Leu1409fs)

Gene: PIKFYVE (phosphoinositide kinase, FYVE-type zinc finger containing; plus strand). Cytogenetic location: 2q34.
Variant type: Deletion.
Coding change: c.4225del on transcript NM_015040.4 (MANE Select); coding-DNA position 4225, one base deleted (C; older notation c.4225delC).
Protein change: p.Leu1409fs; shifts the reading frame from leucine 1409.
Molecular consequence: frameshift variant.
Genome position (GRCh38, 1-based): chr2:208,335,388, C deleted; the last of 3 consecutive C bases (chr2:208,335,386-208,335,388); deleting any one gives the same sequence. VCF-style (leftmost placement, unchanged base first): chr2-208335385-TC-T. GRCh37 (hg19) VCF-style: chr2-209200109-TC-T.
Other names: short protein forms L1409fs.
Identifiers: ClinVar variation 4880530 (VCV004880530.2).